The following is an entry in ClinVar:

NM_001378454.1(ALMS1):c.5848_5849del (p.Ile1950fs)

Gene: ALMS1 (ALMS1 centrosome and basal body associated protein; plus strand). Cytogenetic location: 2p13.1.
Variant type: Deletion.
Coding change: c.5848_5849del on transcript NM_001378454.1 (MANE Select); coding-DNA positions 5848 to 5849, 2 bases deleted (AT; older notation c.5848_5849delAT).
Protein change: p.Ile1950fs; shifts the reading frame from isoleucine 1950.
Molecular consequence: frameshift variant.
Genome position (GRCh38, 1-based): chr2:73,452,375-73,452,376, AT deleted; deleting any 2 consecutive bases within chr2:73,452,374-73,452,376 gives the same sequence; the c. name uses the placement nearest the transcript's 3' end. VCF-style (leftmost placement, unchanged base first): chr2-73452373-TTA-T. GRCh37 (hg19) VCF-style: chr2-73679500-TTA-T.
Other names: c.5851_5852del, p.Ile1951fs (NM_015120.4); c.5850_5851del (NM_015120.4); short protein forms I1950fs, I1951fs.
Identifiers: ClinVar variation 3256543 (VCV003256543.1).

ClinVar aggregate classification (germline): Pathogenic (1 of 4 stars; one submission).

Conditions:
Alstrom syndrome (ALMS). Identifiers: Orphanet 64, MedGen C0268425, MONDO:0008763, OMIM 203800.

Submission:

Laboratory of Medical Genetics, National & Kapodistrian University of Athens
Classification: Pathogenic for Alstrom syndrome. Last evaluated: 2024-04-09. Review status: criteria provided, single submitter. Criteria: ACMG Guidelines, 2015. Collection method: clinical testing. Allele origin: germline. Affected: yes.
Comment: PVS1, PM2, PP5 - The variant has been reported in ClinVar as Pathogenic by other laboratories (Variation ID: 1455031). It is expected to result in an absent or disrupted protein product. Absent from gnomAD.